The following is an entry in ClinVar:

ClinVar aggregate classification (germline): Uncertain significance. Review status: criteria provided, multiple submitters, no conflicts (2 of 4 stars). 4 submissions from 4 submitters: Uncertain significance (4). Last evaluated 2026-04-14.

Conditions:
TTN-related disorder. Also called: TTN-related condition; TTN-related disease; TTN-related disorders.

Allele frequency attached by ClinVar (database versions not stated): gnomAD 0.00003; TOPMed 0.00004.
gnomAD v4.1: 15 of 1,613,768 alleles (0.00093%); highest among the groups gnomAD compares: African/African-American, 0.012%; no homozygotes.

Submissions (4):

PreventionGenetics, part of Exact Sciences
Classification: Uncertain significance for TTN-related condition. Last evaluated: 2026-04-14. Review status: criteria provided, single submitter. Criteria: ACMG Guidelines, 2015. Collection method: clinical testing. Allele origin: germline.
Comment: The TTN c.28643C>T variant is predicted to result in the amino acid substitution p.Thr9548Met. To our knowledge, this variant has not been reported in the literature. This variant is reported in 0.017% of alleles in individuals of African descent in gnomAD. At this time, the clinical significance of this variant is uncertain due to the absence of conclusive functional and genetic evidence.

ARUP Laboratories, Molecular Genetics and Genomics, ARUP Laboratories
Classification: Uncertain significance. Last evaluated: 2023-09-28. Review status: criteria provided, single submitter. Criteria: ARUP Molecular Germline Variant Investigation Process 2024. Collection method: clinical testing. Allele origin: germline.
Comment: The TTN c.28643C>T; p.Thr9548Met variant (rs752064053; ClinVar Variation ID: 597401) is rare in the general population (<0.2% allele frequency in the Genome Aggregation Database) and has not been reported in the medical literature in association with dilated cardiomyopathy (DCM) or other TTN-related disease. The clinical relevance of rare missense variants in this gene, which are identified on average once per individual sequenced in affected populations (Herman 2012), is not well understood. Yet, evidence suggests that the vast majority of such missense variants do not contribute to the clinical outcome of DCM (Begay 2015). Thus, the clinical significance of the p.Thr9548Met variant cannot be determined with certainty.

Revvity Omics, Revvity
Classification: Uncertain significance. Last evaluated: 2019-04-24. Review status: criteria provided, single submitter. Criteria: ACMG Guidelines, 2015. Collection method: clinical testing. Allele origin: germline.

Eurofins Ntd Llc (ga)
Classification: Uncertain significance. Last evaluated: 2018-06-05. Review status: criteria provided, single submitter. Criteria: EGL ClinVar v180209 classification definitions. Collection method: clinical testing. Allele origin: germline. Observed: 1 variant allele, 1 heterozygote.

NM_001267550.2(TTN):c.28643C>T (p.Thr9548Met)

Gene: TTN (titin; minus strand). Cytogenetic location: 2q31.2.
Variant type: single nucleotide variant.
Coding change: c.28643C>T on transcript NM_001267550.2 (MANE Select); coding-DNA position 28643, C replaced by T.
Protein change: p.Thr9548Met; replaces threonine 9548 with methionine.
Molecular consequence: missense variant. On other transcripts: intron variant (3).
Genome position (GRCh38, 1-based): chr2:178,709,676, G>A on the plus strand (C>T on the coding strand, the complement: TTN is on the minus strand). VCF-style: chr2-178709676-G-A. GRCh37 (hg19) VCF-style: chr2-179574403-G-A.
Other names: c.27692C>T, p.Thr9231Met (NM_001256850.1); c.24911C>T, p.Thr8304Met (NM_133378.4); c.13282+28406C>T (NM_003319.4); c.13858+28406C>T (NM_133437.4); c.13657+28406C>T (NM_133432.3); short protein forms T8304M, T9548M, T9231M.
Identifiers: ClinVar variation 597401 (VCV000597401.10), dbSNP rs752064053, ClinGen allele CA1999558.